The following is an entry in ClinVar:

NM_153252.5(BRWD3):c.3326C>G (p.Thr1109Ser)

Gene: BRWD3 (bromodomain and WD repeat domain containing 3; minus strand). Cytogenetic location: Xq21.1.
Variant type: single nucleotide variant.
Coding change: c.3326C>G on transcript NM_153252.5 (MANE Select); coding-DNA position 3326, C replaced by G.
Protein change: p.Thr1109Ser; replaces threonine 1109 with serine.
Molecular consequence: missense variant.
Genome position (GRCh38, 1-based): chrX:80,691,978, G>C on the plus strand (C>G on the coding strand, the complement: BRWD3 is on the minus strand). VCF-style: chrX-80691978-G-C. GRCh37 (hg19) VCF-style: chrX-79947477-G-C.
Other names: c.3176C>G, p.Thr1059Ser (NM_001441339.1); short protein forms T1059S, T1109S.
Identifiers: ClinVar variation 4086329 (VCV004086329.1).

ClinVar aggregate classification (germline): Uncertain significance (1 of 4 stars; one submission).

Submission:

GeneDx
Classification: Uncertain significance. Last evaluated: 2025-03-18. Review status: criteria provided, single submitter. Criteria: GeneDx Variant Classification Process June 2021. Collection method: clinical testing. Allele origin: germline. Affected: yes.
Comment: Not observed at significant frequency in large population cohorts (gnomAD); In silico analysis indicates that this missense variant does not alter protein structure/function; Has not been previously published as pathogenic or benign to our knowledge